The following is an entry in ClinVar:

NM_152564.5(VPS13B):c.6825_6827del (p.Asp2276del)

Gene: VPS13B (vacuolar protein sorting 13 homolog B; plus strand). Cytogenetic location: 8q22.2.
Variant type: Deletion.
Coding change: c.6825_6827del on transcript NM_152564.5 (MANE Select); coding-DNA positions 6825 to 6827, 3 bases deleted (TGA; older notation c.6825_6827delTGA).
Protein change: p.Asp2276del; deletes aspartic acid 2276.
Molecular consequence: inframe deletion.
Genome position (GRCh38, 1-based): chr8:99,720,512-99,720,514, TGA deleted; deleting any 3 consecutive bases within chr8:99,720,510-99,720,514 gives the same sequence; the c. name uses the placement nearest the transcript's 3' end. VCF-style (leftmost placement, unchanged base first): chr8-99720509-AGAT-A. GRCh37 (hg19) VCF-style: chr8-100732737-AGAT-A.
Other names: c.6900_6902del, p.Asp2301del (NM_017890.5); short protein forms D2276del, D2301del.
Identifiers: ClinVar variation 2503329 (VCV002503329.2), dbSNP rs2491577825, ClinGen allele CA2580617209.

ClinVar aggregate classification (germline): Likely pathogenic (1 of 4 stars; one submission).

Submission:

GeneDx
Classification: Likely pathogenic. Last evaluated: 2024-05-17. Review status: criteria provided, single submitter. Criteria: GeneDx Variant Classification Process June 2021. Collection method: clinical testing. Allele origin: germline.
Comment: Not observed at significant frequency in large population cohorts (gnomAD); In-frame deletion of 1 amino acids in a non-repeat region; In silico analysis supports a deleterious effect on protein structure/function; Has not been previously published as pathogenic or benign to our knowledge